The following is an entry in ClinVar:

NM_001374828.1(ARID1B):c.796G>A (p.Gly266Ser)

Genes: ARID1B (AT-rich interaction domain 1B; plus strand), LOC115308161 (uncharacterized LOC115308161; minus strand), LOC129997525 (ATAC-STARR-seq lymphoblastoid silent region 17712; plus strand). Cytogenetic location: 6q25.3.
Variant type: single nucleotide variant.
Coding change: c.796G>A on transcript NM_001374828.1 (MANE Select); coding-DNA position 796, G replaced by A.
Protein change: p.Gly266Ser; replaces glycine 266 with serine.
Molecular consequence: missense variant. On other transcripts: non-coding transcript variant (1).
Genome position (GRCh38, 1-based): chr6:156,778,476, G>A. VCF-style: chr6-156778476-G-A. GRCh37 (hg19) VCF-style: chr6-157099610-G-A.
Other names: c.547G>A, p.Gly183Ser (NM_001346813.1, NM_020732.3); c.796G>A, p.Gly266Ser (NM_001371656.1, NM_001374820.1, NM_017519.3); c.373G>A, p.Gly125Ser (NM_175863.2); short protein forms G125S, G183S, G266S.
Identifiers: ClinVar variation 2265732 (VCV002265732.5), dbSNP rs1246202974, ClinGen allele CA366382124.

ClinVar aggregate classification (germline): Uncertain significance. Review status: criteria provided, multiple submitters, no conflicts (2 of 4 stars). 2 submissions from 2 submitters: Uncertain significance (2). Last evaluated 2023-09-25.

Conditions:
Inborn genetic diseases. Identifiers: MedGen C0950123, MeSH D030342.

Allele frequency attached by ClinVar (database versions not stated): gnomAD exomes below 0.00001; gnomAD 0.00002.
gnomAD v4.1: 7 of 1,302,202 alleles (0.00054%); highest among the groups gnomAD compares: South Asian, 0.0073%; no homozygotes.

Submissions (2):

Labcorp Genetics (formerly Invitae), Labcorp
Classification: Uncertain significance. Last evaluated: 2023-09-25. Review status: criteria provided, single submitter. Criteria: Invitae Variant Classification Sherloc (09022015). Collection method: clinical testing. Allele origin: germline.
Comment: This variant has not been reported in the literature in individuals affected with ARID1B-related conditions. In summary, the available evidence is currently insufficient to determine the role of this variant in disease. Therefore, it has been classified as a Variant of Uncertain Significance. Experimental studies and prediction algorithms are not available or were not evaluated, and the functional significance of this variant is currently unknown. ClinVar contains an entry for this variant (Variation ID: 2265732). This sequence change replaces glycine, which is neutral and non-polar, with serine, which is neutral and polar, at codon 183 of the ARID1B protein (p.Gly183Ser). This variant is present in population databases (no rsID available, gnomAD 0.007%).

Ambry Genetics
Classification: Uncertain significance for Inborn genetic diseases. Last evaluated: 2021-12-07. Review status: criteria provided, single submitter. Criteria: Ambry Variant Classification Scheme 2023. Collection method: clinical testing. Allele origin: germline.